The following is an entry in ClinVar:

NM_001323289.2(CDKL5):c.786C>A (p.Tyr262Ter)

Gene: CDKL5 (cyclin dependent kinase like 5; plus strand). Cytogenetic location: Xp22.13.
Variant type: single nucleotide variant.
Coding change: c.786C>A on transcript NM_001323289.2 (MANE Select); coding-DNA position 786, C replaced by A.
Protein change: p.Tyr262Ter; replaces tyrosine 262 with a stop codon.
Molecular consequence: nonsense.
Genome position (GRCh38, 1-based): chrX:18,595,389, C>A. VCF-style: chrX-18595389-C-A. GRCh37 (hg19) VCF-style: chrX-18613509-C-A.
Other names: c.786C>A, p.Tyr262Ter (NM_001037343.2, NM_003159.3); short protein forms Y262*.
Identifiers: ClinVar variation 489166 (VCV000489166.5), dbSNP rs1555951146, ClinGen allele CA412355012.
Genomic context (GRCh38, chrX:18,595,389, plus strand): 5'-CTTTGTGTATGTCTCACAGTTTCCAGCTGTTAACCATCCTCAGTCCTTGGAAAGAAGATA[C>A]CTTGGAATTTTGAATAGTGTTCTACTTGACCTAATGAAGGTAAGGCCAATTGATATTATC-3'

ClinVar aggregate classification (germline): Pathogenic. Review status: criteria provided, multiple submitters, no conflicts (2 of 4 stars). 3 submissions from 3 submitters: Pathogenic (3). Last evaluated 2022-02-02.

Conditions:
Developmental and epileptic encephalopathy, 2 (DEE2). Also called: INFANTILE SPASM SYNDROME, X-LINKED 2; CDKL5 deficiency disorder. Identifiers: Orphanet 1934, Orphanet 3451, Orphanet 505652, MedGen C4750718, MONDO:0010396, OMIM 300672.
Angelman syndrome-like. Identifiers: MedGen CN128785.

Submissions (3):

Victorian Clinical Genetics Services, Murdoch Childrens Research Institute
Classification: Pathogenic for Developmental and epileptic encephalopathy, 2. Last evaluated: 2022-02-02. Review status: criteria provided, single submitter. Criteria: ACMG Guidelines, 2015. Collection method: clinical testing. Allele origin: germline. Inheritance: X-linked dominant inheritance.
Comment: Based on the classification scheme VCGS_Germline_v1.3.4, this variant is classified as Pathogenic. Following criteria are met: 0102 - Loss of function is a known mechanism of disease in this gene and is associated with developmental and epileptic encephalopathy 2 (MIM#300672). (I) 0110 - This gene is associated with X-linked dominant disease. (I) 0201 - Variant is predicted to cause nonsense-mediated decay (NMD) and loss of protein (premature termination codon is located at least 54 nucleotides upstream of the final exon-exon junction). (SP) 0251 - This variant is heterozygous. (I) 0301 - Variant is absent from gnomAD (both v2 and v3). (SP) 0802 - This variant has moderate previous evidence of pathogenicity in unrelated individuals. This variant has been reported twice as pathogenic in ClinVar. A different variant resulting in the same protein outcome (c.785dupA, p.(Tyr262*)) has also been reported in a patient with epileptic encephalopathy (PMID: 29095814). (SP) Legend: (SP) - Supporting pathogenic, (I) - Information, (SB) - Supporting benign

GeneDx
Classification: Pathogenic. Last evaluated: 2019-11-18. Review status: criteria provided, single submitter. Criteria: GeneDx Variant Classification Process June 2021. Collection method: clinical testing. Allele origin: germline. Affected: yes.
Comment: Nonsense variant predicted to result in protein truncation or nonsense mediated decay in a gene for which loss-of-function is a known mechanism of disease; Not observed in large population cohorts (Lek et al., 2016); Has not been previously published as pathogenic or benign to our knowledge

Labcorp Genetics (formerly Invitae), Labcorp
Classification: Pathogenic for Developmental and epileptic encephalopathy, 2; Angelman syndrome-like. Last evaluated: 2019-03-10. Review status: criteria provided, single submitter. Criteria: Invitae Variant Classification Sherloc (09022015). Collection method: clinical testing. Allele origin: germline.
Comment: This sequence change creates a premature translational stop signal (p.Tyr262*) in the CDKL5 gene. It is expected to result in an absent or disrupted protein product. This variant is not present in population databases (ExAC no frequency). This variant has not been reported in the literature in individuals with CDKL5-related conditions. ClinVar contains an entry for this variant (Variation ID: 489166). Loss-of-function variants in CDKL5 are known to be pathogenic (PMID: 22872100). For these reasons, this variant has been classified as Pathogenic.

Literature cited by the submitters: PubMed 29095814 (cited by Victorian Clinical Genetics Services, Murdoch Childrens Research Institute).